The following is an entry in ClinVar:

ClinVar aggregate classification (germline): Pathogenic. Review status: criteria provided, multiple submitters, no conflicts (2 of 4 stars). 3 submissions from 3 submitters: Pathogenic (3). Last evaluated 2026-04-14.

Conditions:
Hereditary cancer-predisposing syndrome. Also called: Tumor predisposition; Hereditary Cancer Syndrome; Neoplastic Syndromes, Hereditary; Hereditary neoplastic syndrome. Identifiers: Orphanet 140162, MedGen C0027672, MeSH D009386, MONDO:0015356.
Hereditary breast ovarian cancer syndrome. Also called: Hereditary breast and ovarian cancer; Hereditary breast and ovarian cancer syndrome (HBOC); Hereditary breast and ovarian cancer syndrome; Breast and ovarian cancer; Hereditary breast and/or ovarian cancer syndrome; BRCA1- and BRCA2-Associated Hereditary Breast and Ovarian Cancer. Identifiers: Orphanet 145, MedGen C0677776, MeSH D061325, MONDO:0003582. Disease mechanism: loss of function.

Submissions (3):

Ambry Genetics
Classification: Pathogenic for Hereditary cancer-predisposing syndrome. Last evaluated: 2026-04-14. Review status: criteria provided, single submitter. Criteria: Ambry Variant Classification Scheme 2023. Collection method: clinical testing. Allele origin: germline.
Comment: The c.2400_2401delTA pathogenic mutation, located in coding exon 10 of the BRCA2 gene, results from a deletion of two nucleotides at nucleotide positions 2400 to 2401, causing a translational frameshift with a predicted alternate stop codon (p.N801Qfs*3). This variant is considered to be rare based on population cohorts in the Genome Aggregation Database (gnomAD). This alteration is expected to result in loss of function by premature protein truncation or nonsense-mediated mRNA decay. As such, this alteration is interpreted as a disease-causing mutation.

Labcorp Genetics (formerly Invitae), Labcorp
Classification: Pathogenic for Hereditary breast ovarian cancer syndrome. Last evaluated: 2023-09-17. Review status: criteria provided, single submitter. Criteria: Invitae Variant Classification Sherloc (09022015). Collection method: clinical testing. Allele origin: germline.
Comment: For these reasons, this variant has been classified as Pathogenic. ClinVar contains an entry for this variant (Variation ID: 568115). This variant has not been reported in the literature in individuals affected with BRCA2-related conditions. This variant is not present in population databases (gnomAD no frequency). This sequence change creates a premature translational stop signal (p.Asn801Glnfs*3) in the BRCA2 gene. It is expected to result in an absent or disrupted protein product. Loss-of-function variants in BRCA2 are known to be pathogenic (PMID: 20104584).

Women's Health and Genetics/Laboratory Corporation of America, LabCorp
Classification: Pathogenic for Hereditary breast and ovarian cancer syndrome. Last evaluated: 2018-07-30. Review status: criteria provided, single submitter. Criteria: LabCorp Variant Classification Summary - May 2015. Collection method: clinical testing. Allele origin: germline.
Comment: Variant summary: BRCA2 c.2400_2401delTA (p.Asn801GlnfsX3) results in a premature termination codon, predicted to cause a truncation of the encoded protein or absence of the protein due to nonsense mediated decay, which are commonly known mechanisms for disease. Truncations downstream of this position have been classified as pathogenic by our laboratory (e.g., p.Tyr803X and p.Leu809X). The variant was absent in 245040 control chromosomes (gnomAD). To our knowledge, no occurrence of c.2400_2401delTA in individuals affected with Hereditary Breast and Ovarian Cancer and no experimental evidence demonstrating its impact on protein function have been reported. No clinical diagnostic laboratories have submitted clinical-significance assessments for this variant to ClinVar after 2014. However, the variant is located in a mutational hot spot, where other frameshifting variants have been reported as causal at the same codon (e.g., c.2399dup/p.N801X and c.2402dup/p.N801KfsX4). Based on the evidence outlined above, the variant was classified as pathogenic.

Literature cited by the submitters: PubMed 20104584 (cited by Labcorp Genetics (formerly Invitae), Labcorp).

NM_000059.4(BRCA2):c.2400_2401del (p.Asn801fs)

Gene: BRCA2 (BRCA2 DNA repair associated; plus strand). Cytogenetic location: 13q13.1.
Variant type: Deletion.
Coding change: c.2400_2401del on transcript NM_000059.4 (MANE Select); coding-DNA positions 2400 to 2401, 2 bases deleted (TA; older notation c.2400_2401delTA).
Protein change: p.Asn801fs; shifts the reading frame from asparagine 801.
Molecular consequence: frameshift variant.
Genome position (GRCh38, 1-based): chr13:32,336,755-32,336,756, TA deleted. VCF-style (leftmost placement, unchanged base first): chr13-32336754-GTA-G. GRCh37 (hg19) VCF-style: chr13-32910891-GTA-G.
Other names: c.2400_2401delTA (NM_000059.3); short protein forms N801fs.
Identifiers: ClinVar variation 568115 (VCV000568115.13), dbSNP rs1566226658, ClinGen allele CA891844446.